The following is an entry in ClinVar:

NM_170707.4(LMNA):c.398G>C (p.Arg133Pro)

Genes: LMNA (lamin A/C; plus strand), LOC126805877 (MED14-independent group 3 enhancer GRCh37_chr1:156099693-156100892; plus strand). Cytogenetic location: 1q22.
Variant type: single nucleotide variant.
Coding change: c.398G>C on transcript NM_170707.4 (MANE Select); coding-DNA position 398, G replaced by C.
Protein change: p.Arg133Pro; replaces arginine 133 with proline.
Molecular consequence: missense variant.
Genome position (GRCh38, 1-based): chr1:156,130,658, G>C. VCF-style: chr1-156130658-G-C. GRCh37 (hg19) VCF-style: chr1-156100449-G-C.
Other names: c.62G>C, p.Arg21Pro (NM_001257374.3); c.155G>C, p.Arg52Pro (NM_001282624.2); c.398G>C, p.Arg133Pro (NM_001282625.2, NM_001282626.2, NM_005572.4 and 1 more transcripts); short protein forms R133P, R52P, R21P.
Identifiers: ClinVar variation 14508 (VCV000014508.11), dbSNP rs60864230, ClinGen allele CA018038.

ClinVar aggregate classification (germline): Likely pathogenic. Review status: criteria provided, single submitter (1 of 4 stars). 3 submissions from 3 submitters: Likely pathogenic (1). 2 of the submissions do not count toward it. Last evaluated 2020-03-26.

Conditions:
Charcot-Marie-Tooth disease type 2. Also called: Charcot-Marie-Tooth type 2. Identifiers: Orphanet 64746, MedGen C0270914, MONDO:0018993.
Emery-Dreifuss muscular dystrophy 2, autosomal dominant (EDMD2). Also called: HAUPTMANN-THANNHAUSER MUSCULAR DYSTROPHY; MUSCULAR DYSTROPHY WITH EARLY CONTRACTURES AND CARDIOMYOPATHY, AUTOSOMAL DOMINANT; SCAPULOILIOPERONEAL ATROPHY WITH CARDIOPATHY; Limb-girdle muscular dystrophy, type 1B; Muscular dystrophy, proximal, type 1B; Benign scapuloperoneal muscular dystrophy with cardiomyopathy. Identifiers: Orphanet 261, Orphanet 264, MedGen C0410190, MONDO:0021569, OMIM 181350.

Submissions (3):

Labcorp Genetics (formerly Invitae), Labcorp
Classification: Likely pathogenic for Charcot-Marie-Tooth disease type 2. Last evaluated: 2020-03-26. Review status: criteria provided, single submitter. Criteria: Invitae Variant Classification Sherloc (09022015). Collection method: clinical testing. Allele origin: germline.
Comment: This sequence change replaces arginine with proline at codon 133 of the LMNA protein (p.Arg133Pro). The arginine residue is highly conserved and there is a moderate physicochemical difference between arginine and proline. This variant is not present in population databases (ExAC no frequency). This variant has been observed in individual(s) with Emery-Dreifuss muscular dystrophy (PMID: 11503164). ClinVar contains an entry for this variant (Variation ID: 14508). Advanced modeling of protein sequence and biophysical properties (such as structural, functional, and spatial information, amino acid conservation, physicochemical variation, residue mobility, and thermodynamic stability) performed at Invitae indicates that this missense variant is expected to disrupt LMNA protein function. This variant disrupts the p.Arg133 amino acid residue in LMNA. Other variant(s) that disrupt this residue have been determined to be pathogenic (PMID: 12629077, 12927431, 14615128, 16174718). This suggests that this residue is clinically significant, and that variants that disrupt this residue are likely to be disease-causing. In summary, the currently available evidence indicates that the variant is pathogenic, but additional data are needed to prove that conclusively. Therefore, this variant has been classified as Likely Pathogenic.

OMIM
Classification: Pathogenic for EMERY-DREIFUSS MUSCULAR DYSTROPHY 2, AUTOSOMAL DOMINANT. Last evaluated: 2003-08-09. Review status: no assertion criteria provided. Collection method: literature only. Allele origin: germline. Not counted in ClinVar's aggregate classification.

Epithelial Biology;  Institute of Medical Biology, Singapore
No classification provided. Review status: no classification provided. Collection method: not provided. Allele origin: not provided. Not counted in ClinVar's aggregate classification.

Literature cited by the submitters: PubMed 11503164 (cited by Labcorp Genetics (formerly Invitae), Labcorp and OMIM); PubMed 12629077 (cited by Labcorp Genetics (formerly Invitae), Labcorp); PubMed 12927431 (cited by Labcorp Genetics (formerly Invitae), Labcorp and OMIM); PubMed 14615128 (cited by Labcorp Genetics (formerly Invitae), Labcorp); PubMed 16174718 (cited by Labcorp Genetics (formerly Invitae), Labcorp).